The following is an entry in ClinVar:

NM_005876.5(SPEG):c.9512C>A (p.Ala3171Asp)

Genes: ASIC4-AS1 (ASIC4 antisense RNA 1; minus strand), SPEG (striated muscle enriched protein kinase; plus strand). Cytogenetic location: 2q35.
Variant type: single nucleotide variant.
Coding change: c.9512C>A on transcript NM_005876.5 (MANE Select); coding-DNA position 9512, C replaced by A.
Protein change: p.Ala3171Asp; replaces alanine 3171 with aspartic acid.
Molecular consequence: missense variant.
Genome position (GRCh38, 1-based): chr2:219,492,161, C>A. VCF-style: chr2-219492161-C-A. GRCh37 (hg19) VCF-style: chr2-220356883-C-A.
Other names: p.Ala3171Asp; short protein forms A3171D.
Identifiers: ClinVar variation 451545 (VCV000451545.12), dbSNP rs201945260, ClinGen allele CA2127793.

ClinVar aggregate classification (germline): Uncertain significance. Review status: criteria provided, multiple submitters, no conflicts (2 of 4 stars). 5 submissions from 5 submitters: Uncertain significance (5). Last evaluated 2025-06-13.

Conditions:
Myopathy, centronuclear, 5 (CNM5). Identifiers: Orphanet 169186, MedGen C4014814, MONDO:0014418, OMIM 615959.
Inborn genetic diseases. Identifiers: MedGen C0950123, MeSH D030342.

Allele frequency attached by ClinVar (database versions not stated): TOPMed 0.00011.
gnomAD v4.1: 273 of 1,613,644 alleles (0.017%); highest among the groups gnomAD compares: Non-Finnish European, 0.023%; no homozygotes.

Submissions (5):

Revvity Omics, Revvity
Classification: Uncertain significance for Myopathy, centronuclear, 5. Last evaluated: 2025-06-13. Review status: criteria provided, single submitter. Criteria: ACMG Guidelines, 2015. Collection method: clinical testing. Allele origin: germline.

Ambry Genetics
Classification: Uncertain significance for Inborn genetic diseases. Last evaluated: 2025-05-19. Review status: criteria provided, single submitter. Criteria: Ambry Variant Classification Scheme 2023. Collection method: clinical testing. Allele origin: germline.

Labcorp Genetics (formerly Invitae), Labcorp
Classification: Uncertain significance. Last evaluated: 2024-10-26. Review status: criteria provided, single submitter. Criteria: Invitae Variant Classification Sherloc (09022015). Collection method: clinical testing. Allele origin: germline.
Comment: This sequence change replaces alanine, which is neutral and non-polar, with aspartic acid, which is acidic and polar, at codon 3171 of the SPEG protein (p.Ala3171Asp). This variant is present in population databases (rs201945260, gnomAD 0.02%). This variant has not been reported in the literature in individuals affected with SPEG-related conditions. ClinVar contains an entry for this variant (Variation ID: 451545). An algorithm developed to predict the effect of missense changes on protein structure and function (PolyPhen-2) suggests that this variant is likely to be disruptive. In summary, the available evidence is currently insufficient to determine the role of this variant in disease. Therefore, it has been classified as a Variant of Uncertain Significance.

Mayo Clinic Laboratories, Mayo Clinic
Classification: Uncertain significance. Last evaluated: 2023-06-13. Review status: criteria provided, single submitter. Criteria: ACMG Guidelines, 2015. Collection method: clinical testing. Allele origin: germline. Observed: 1 variant allele.
Comment: BP4

GeneDx
Classification: Uncertain significance. Last evaluated: 2017-08-21. Review status: criteria provided, single submitter. Criteria: GeneDx Variant Classification (06012015). Collection method: clinical testing. Allele origin: germline. Affected: yes.
Comment: The A3171D variant in the SPEG gene has not been reported previously as a pathogenic variant, nor as a benign variant, to our knowledge. The A3171D variant is observed in 7/66228 (0.01%) alleles from individuals of non-Finnish background, in the ExAC dataset (Lek et al., 2016). The A3171D variant is a non-conservative amino acid substitution, which is likely to impact secondary protein structure as these residues differ in polarity, charge, size and/or other properties. This substitution occurs at a position that is not conserved. In silico analysis is inconsistent in its predictions as to whether or not the variant is damaging to the protein structure/function. We interpret A3171D as a variant of uncertain significance.